The following is an entry in ClinVar:

NM_003597.5(KLF11):c.870C>T (p.Ile290=)

Gene: KLF11 (KLF transcription factor 11; plus strand). Cytogenetic location: 2p25.1.
Variant type: single nucleotide variant.
Coding change: c.870C>T on transcript NM_003597.5 (MANE Select); coding-DNA position 870, C replaced by T.
Protein change: p.Ile290=; no amino-acid change (isoleucine 290 retained).
Molecular consequence: synonymous variant.
Genome position (GRCh38, 1-based): chr2:10,048,207, C>T. VCF-style: chr2-10048207-C-T. GRCh37 (hg19) VCF-style: chr2-10188334-C-T.
Other names: c.819C>T, p.Ile273= (NM_001177716.2, NM_001177718.2).
Identifiers: ClinVar variation 893716 (VCV000893716.6), dbSNP rs149235463, ClinGen allele CA1525623.

ClinVar aggregate classification (germline): Likely benign. Review status: criteria provided, multiple submitters, no conflicts (2 of 4 stars). 3 submissions from 3 submitters: Likely benign (3). Last evaluated 2024-10-21.

Conditions:
Maturity-onset diabetes of the young type 7 (MODY7). Identifiers: Orphanet 552, MedGen C1864839, MONDO:0012513, OMIM 610508.

Allele frequency attached by ClinVar (database versions not stated): TOPMed 0.00006; ESP Exome Variant Server 0.00008.

Submissions (3):

Ambry Genetics
Classification: Likely benign. Last evaluated: 2024-10-21. Review status: criteria provided, single submitter. Criteria: Ambry Variant Classification Scheme 2023. Collection method: clinical testing. Allele origin: germline.

Fulgent Genetics
Classification: Likely benign for Maturity-onset diabetes of the young type 7. Last evaluated: 2022-01-18. Review status: criteria provided, single submitter. Criteria: ACMG Guidelines, 2015. Collection method: clinical testing. Allele origin: unknown.

Illumina Laboratory Services, Illumina
Classification: Likely benign for Maturity-onset diabetes of the young type 7. Last evaluated: 2018-01-13. Review status: criteria provided, single submitter. Criteria: ICSL Variant Classification Criteria 13 December 2019. Collection method: clinical testing. Allele origin: germline.
Comment: This variant was observed in the ICSL laboratory as part of a predisposition screen in an ostensibly healthy population. It had not been previously curated by ICSL or reported in the Human Gene Mutation Database (HGMD: prior to June 1st, 2018), and was therefore a candidate for classification through an automated scoring system. Utilizing variant allele frequency, disease prevalence and penetrance estimates, and inheritance mode, an automated score was calculated to assess if this variant is too frequent to cause the disease. Based on the score and internal cut-off values, a variant classified as likely benign is not then subjected to further curation. The score for this variant resulted in a classification of likely benign for this disease.